The following is an entry in ClinVar:

ClinVar aggregate classification (germline): Pathogenic (1 of 4 stars; one submission).

Conditions:
Bardet-Biedl syndrome (BBS). Identifiers: Orphanet 110, MedGen C0752166, MONDO:0015229.

Submission:

Labcorp Genetics (formerly Invitae), Labcorp
Classification: Pathogenic for Bardet-Biedl syndrome. Last evaluated: 2020-05-12. Review status: criteria provided, single submitter. Criteria: Invitae Variant Classification Sherloc (09022015). Collection method: clinical testing. Allele origin: germline.
Comment: For these reasons, this variant has been classified as Pathogenic. Loss-of-function variants in BBS1 are known to be pathogenic (PMID: 12118255). This variant has not been reported in the literature in individuals with BBS1-related conditions. This variant is an out-of-frame deletion of the genomic region encompassing exon(s) 12 of the BBS1 gene. This is expected to create a premature translational stop signal and result in an absent or disrupted protein product.

Literature cited by the submitters: PubMed 12118255.

NC_000011.9:g.(?_66291682)_(66293673_?)del

Gene: BBS1 (Bardet-Biedl syndrome 1; plus strand). Cytogenetic location: 11q13.2.
Variant type: Deletion.
Identifiers: ClinVar variation 1075744 (VCV001075744.5).